The following is an entry in ClinVar:

ClinVar aggregate classification (germline): Uncertain significance. Review status: criteria provided, multiple submitters, no conflicts (2 of 4 stars). 2 submissions from 2 submitters: Uncertain significance (2). Last evaluated 2025-06-12.

Conditions:
X-linked Alport syndrome (ATS1). Also called: COL4A5-Related Nephropathy; NEPHROPATHY AND DEAFNESS, X-LINKED. Identifiers: Orphanet 63, Orphanet 88917, MedGen C4746986, MONDO:0010520, OMIM 301050.

Allele frequency attached by ClinVar (database versions not stated): gnomAD 0.00003.

Submissions (2):

Labcorp Genetics (formerly Invitae), Labcorp
Classification: Uncertain significance. Last evaluated: 2025-06-12. Review status: criteria provided, single submitter. Criteria: Invitae Variant Classification Sherloc (09022015). Collection method: clinical testing. Allele origin: germline.
Comment: This sequence change replaces isoleucine, which is neutral and non-polar, with valine, which is neutral and non-polar, at codon 694 of the COL4A5 protein (p.Ile694Val). This variant is present in population databases (rs141392937, gnomAD 0.05%). This variant has not been reported in the literature in individuals affected with COL4A5-related conditions. ClinVar contains an entry for this variant (Variation ID: 1469349). Invitae Evidence Modeling of protein sequence and biophysical properties (such as structural, functional, and spatial information, amino acid conservation, physicochemical variation, residue mobility, and thermodynamic stability) indicates that this missense variant is not expected to disrupt COL4A5 protein function with a negative predictive value of 95%. In summary, the available evidence is currently insufficient to determine the role of this variant in disease. Therefore, it has been classified as a Variant of Uncertain Significance.

Fulgent Genetics
Classification: Uncertain significance for X-linked Alport syndrome. Last evaluated: 2024-01-24. Review status: criteria provided, single submitter. Criteria: ACMG Guidelines, 2015. Collection method: clinical testing. Allele origin: germline.

NM_033380.3(COL4A5):c.2080A>G (p.Ile694Val)

Gene: COL4A5 (collagen type IV alpha 5 chain; plus strand). Cytogenetic location: Xq22.3.
Variant type: single nucleotide variant.
Coding change: c.2080A>G on transcript NM_033380.3 (MANE Select); coding-DNA position 2080, A replaced by G.
Protein change: p.Ile694Val; replaces isoleucine 694 with valine.
Molecular consequence: missense variant.
Genome position (GRCh38, 1-based): chrX:108,601,923, A>G. VCF-style: chrX-108601923-A-G. GRCh37 (hg19) VCF-style: chrX-107845153-A-G.
Other names: c.2080A>G, p.Ile694Val (NM_000495.5); short protein forms I694V.
Identifiers: ClinVar variation 1469349 (VCV001469349.7), dbSNP rs141392937, ClinGen allele CA334040039.